The following is an entry in ClinVar:

NM_033310.3(KCNK4):c.1122dup (p.Arg375fs)

Genes: KCNK4 (potassium two pore domain channel subfamily K member 4; plus strand), KCNK4-CATSPERZ (KCNK4-CATSPERZ readthrough (NMD candidate); plus strand). Cytogenetic location: 11q13.1.
Variant type: Duplication.
Coding change: c.1122dup on transcript NM_033310.3 (MANE Select); coding-DNA position 1122, one base duplicated (C; older notation c.1122dupC).
Protein change: p.Arg375fs; shifts the reading frame from arginine 375.
Molecular consequence: frameshift variant. On other transcripts: non-coding transcript variant (3).
Genome position (GRCh38, 1-based): chr11:64,299,666, C duplicated; the last of 6 consecutive C bases (chr11:64,299,661-64,299,666); duplicating any one gives the same sequence. VCF-style (leftmost placement, unchanged base first): chr11-64299660-T-TC. GRCh37 (hg19) VCF-style: chr11-64067132-T-TC.
Other names: c.1122dup, p.Arg375fs (NM_001317090.2); c.1122dup, p.Arg375Glnfs (NM_033311.1); short protein forms R375fs.
Identifiers: ClinVar variation 3029538 (VCV003029538.2), dbSNP rs5792319, ClinGen allele CA2574861641.

ClinVar aggregate classification (germline): Uncertain significance (0 of 4 stars; one submission).

Conditions:
KCNK4-related disorder. Also called: KCNK4-related condition.

Submission:

PreventionGenetics, part of Exact Sciences
Classification: Uncertain significance for KCNK4-related condition. Last evaluated: 2023-12-21. Review status: no assertion criteria provided. Collection method: clinical testing. Allele origin: germline.
Comment: The KCNK4 c.1122dupC variant is predicted to result in a frameshift and premature protein termination (p.Arg375Glnfs*53). The normal protein terminates at codon 394. This variant is expected to result in an elongated protein. To our knowledge, this variant has not been reported in the literature or in a large population database, indicating this variant is rare. Of note, a nonsense variant (p.Gln327*) has been reported in an individual with facial dysmorphism, hypertrichosis, epilepsy, intellectual disability/developmental delay and gingival overgrowth (Chuan et al. 2022. PubMed ID: 35571021, Table S1). To our knowledge, however, no frameshift variants at the downstream (i.e. more 3') of this nonsense variant has been reported in the literature. At this time, the clinical significance of the c.1122dupC (p.Arg375Glnfs*53) variant is uncertain due to the absence of conclusive functional and genetic evidence.